The following is an entry in ClinVar:

ClinVar aggregate classification (germline): Uncertain significance (1 of 4 stars; one submission).

Submission:

GeneDx
Classification: Uncertain significance. Last evaluated: 2024-10-01. Review status: criteria provided, single submitter. Criteria: GeneDx Variant Classification Process June 2021. Collection method: clinical testing. Allele origin: germline. Affected: yes.
Comment: Not observed at significant frequency in large population cohorts (gnomAD); In silico analysis supports that this missense variant has a deleterious effect on protein structure/function; Has not been previously published as pathogenic or benign to our knowledge

NM_001693.4(ATP6V1B2):c.1066A>G (p.Met356Val)

Gene: ATP6V1B2 (ATPase H+ transporting V1 subunit B2; plus strand). Cytogenetic location: 8p21.3.
Variant type: single nucleotide variant.
Coding change: c.1066A>G on transcript NM_001693.4 (MANE Select); coding-DNA position 1066, A replaced by G.
Protein change: p.Met356Val; replaces methionine 356 with valine.
Molecular consequence: missense variant.
Genome position (GRCh38, 1-based): chr8:20,214,956, A>G. VCF-style: chr8-20214956-A-G. GRCh37 (hg19) VCF-style: chr8-20072467-A-G.
Other names: short protein forms M356V.
Identifiers: ClinVar variation 2582002 (VCV002582002.2), dbSNP rs2486468603, ClinGen allele CA370473010.